The following is an entry in ClinVar:

ClinVar aggregate classification (germline): Likely benign. Review status: criteria provided, multiple submitters, no conflicts (2 of 4 stars). 7 submissions from 7 submitters: Likely benign (6). 1 of the submissions does not count toward it. Last evaluated 2025-02-16.

Conditions:
SMAD4-related disorder. Also called: SMAD4-related condition; SMAD4-Related disorders.
Familial thoracic aortic aneurysm and aortic dissection (TAAD). Also called: Thoracic aortic aneurysms and dissections. Identifiers: Orphanet 91387, MedGen C4707243, MONDO:0019625.
Hereditary cancer-predisposing syndrome. Also called: Tumor predisposition; Neoplastic Syndromes, Hereditary; Hereditary neoplastic syndrome; Hereditary Cancer Syndrome. Identifiers: Orphanet 140162, MedGen C0027672, MeSH D009386, MONDO:0015356.
Juvenile polyposis syndrome (JPS). Identifiers: Orphanet 2929, MedGen C0345893, MONDO:0017380, OMIM 174900.

Allele frequency attached by ClinVar (database versions not stated): gnomAD exomes 0.00007; ESP Exome Variant Server 0.00008; TOPMed 0.00013; gnomAD 0.00014.
gnomAD v4.1: 130 of 1,614,078 alleles (0.0081%); highest among the groups gnomAD compares: Middle Eastern, 0.066%; no homozygotes.

Submissions (7):

Laboratory of Genetics, Children's Clinical University Hospital Latvia
Classification: Likely benign. Last evaluated: 2025-02-16. Review status: criteria provided, single submitter. Criteria: ACMG Guidelines, 2015. Collection method: clinical testing. Allele origin: germline. Affected: yes.

Women's Health and Genetics/Laboratory Corporation of America, LabCorp
Classification: Likely benign. Last evaluated: 2024-09-04. Review status: criteria provided, single submitter. Criteria: LabCorp Variant Classification Summary - May 2015. Collection method: clinical testing. Allele origin: germline.
Comment: Variant summary: SMAD4 c.747G>C (p.Gln249His) results in a non-conservative amino acid change in the encoded protein sequence. Three of five in-silico tools predict a benign effect of the variant on protein function. The variant allele was found at a frequency of 0.00015 in 251440 control chromosomes. The observed variant frequency is approximately 120.9 fold of the estimated maximal expected allele frequency for a pathogenic variant in SMAD4 causing Aortopathy phenotype (1.3e-06). To our knowledge, no occurrence of c.747G>C in individuals affected with Aortopathy and no experimental evidence demonstrating its impact on protein function have been reported. ClinVar contains an entry for this variant (Variation ID: 761576). Based on the evidence outlined above, the variant was classified as likely benign.

Blueprint Genetics
Classification: Likely benign. Last evaluated: 2024-04-24. Review status: criteria provided, single submitter. Criteria: ACMG Guidelines, 2015. Collection method: clinical testing. Allele origin: germline.

Ambry Genetics
Classification: Likely benign for Hereditary cancer-predisposing syndrome; Familial thoracic aortic aneurysm and aortic dissection. Last evaluated: 2024-02-27. Review status: criteria provided, single submitter. Criteria: Ambry Variant Classification Scheme 2023. Collection method: clinical testing. Allele origin: germline.

Sema4
Classification: Likely benign for Hereditary cancer-predisposing syndrome. Last evaluated: 2021-08-04. Review status: criteria provided, single submitter. Criteria: Sema4 Curation Guidelines. Collection method: curation. Allele origin: germline.

Labcorp Genetics (formerly Invitae), Labcorp
Classification: Likely benign for Juvenile polyposis syndrome. Last evaluated: 2019-05-30. Review status: criteria provided, single submitter. Criteria: Invitae Variant Classification Sherloc (09022015). Collection method: clinical testing. Allele origin: germline.

PreventionGenetics, part of Exact Sciences
Classification: Likely benign for SMAD4-related condition. Last evaluated: 2020-07-28. Review status: no assertion criteria provided. Collection method: clinical testing. Allele origin: germline. Not counted in ClinVar's aggregate classification.
Comment: This variant is classified as likely benign based on ACMG/AMP sequence variant interpretation guidelines (Richards et al. 2015 PMID: 25741868, with internal and published modifications).

NM_005359.6(SMAD4):c.747G>C (p.Gln249His)

Gene: SMAD4 (SMAD family member 4; plus strand). Cytogenetic location: 18q21.2.
Variant type: single nucleotide variant.
Coding change: c.747G>C on transcript NM_005359.6 (MANE Select); coding-DNA position 747, G replaced by C.
Protein change: p.Gln249His; replaces glutamine 249 with histidine.
Molecular consequence: missense variant.
Genome position (GRCh38, 1-based): chr18:51,058,204, G>C. VCF-style: chr18-51058204-G-C. GRCh37 (hg19) VCF-style: chr18-48584574-G-C.
Other names: short protein forms Q249H.
Identifiers: ClinVar variation 761576 (VCV000761576.14), dbSNP rs372095620, ClinGen allele CA8965894.
Genomic context (GRCh38, chr18:51,058,204, plus strand): 5'-GGGGGGCAGCCATAGTGAAGGACTGTTGCAGATAGCATCAGGGCCTCAGCCAGGACAGCA[G>C]CAGAATGGATTTACTGGTCAGCCAGCTACTTACCATCATAGTATGTACATACTTTAAAAA-3'
Protein context (NP_005350.1, residues 239-259): QIASGPQPGQ[Gln249His]QNGFTGQPAT